The following is an entry in ClinVar:

ClinVar aggregate classification (germline): Uncertain significance (1 of 4 stars; one submission).

Conditions:
Long QT syndrome 1 (LQT1). Identifiers: Orphanet 101016, Orphanet 768, MedGen C4551647, MONDO:0100316, OMIM 192500, MONDO:0008646.

Submission:

Labcorp Genetics (formerly Invitae), Labcorp
Classification: Uncertain significance for Long QT syndrome 1. Last evaluated: 2023-11-16. Review status: criteria provided, single submitter. Criteria: Invitae Variant Classification Sherloc (09022015). Collection method: clinical testing. Allele origin: germline.
Comment: This sequence change replaces threonine, which is neutral and polar, with serine, which is neutral and polar, at codon 6 of the CALM2 protein (p.Thr6Ser). This variant is not present in population databases (gnomAD no frequency). This variant has not been reported in the literature in individuals affected with CALM2-related conditions. An algorithm developed to predict the effect of missense changes on protein structure and function (PolyPhen-2) suggests that this variant is likely to be tolerated. In summary, the available evidence is currently insufficient to determine the role of this variant in disease. Therefore, it has been classified as a Variant of Uncertain Significance.

NM_001743.6(CALM2):c.16A>T (p.Thr6Ser)

Gene: CALM2 (calmodulin 2; minus strand). Cytogenetic location: 2p21.
Variant type: single nucleotide variant.
Coding change: c.16A>T on transcript NM_001743.6 (MANE Select); coding-DNA position 16, A replaced by T.
Protein change: p.Thr6Ser; replaces threonine 6 with serine.
Molecular consequence: missense variant. On other transcripts: 5 prime UTR variant (2).
Genome position (GRCh38, 1-based): chr2:47,170,752, T>A on the plus strand (A>T on the coding strand, the complement: CALM2 is on the minus strand). VCF-style: chr2-47170752-T-A. GRCh37 (hg19) VCF-style: chr2-47397891-T-A.
Other names: c.160A>T, p.Thr54Ser (NM_001305624.1); c.-93A>T (NM_001305625.2, NM_001305626.1); short protein forms T54S, T6S.
Identifiers: ClinVar variation 2696320 (VCV002696320.3), dbSNP rs2465729741, ClinGen allele CA346721587.